The following is an entry in ClinVar:

ClinVar aggregate classification (germline): Uncertain significance. Review status: criteria provided, multiple submitters, no conflicts (2 of 4 stars). 2 submissions from 2 submitters: Uncertain significance (2). Last evaluated 2025-05-05.

Conditions:
Inborn genetic diseases. Identifiers: MedGen C0950123, MeSH D030342.

Submissions (2):

Ambry Genetics
Classification: Uncertain significance for Inborn genetic diseases. Last evaluated: 2025-05-05. Review status: criteria provided, single submitter. Criteria: Ambry Variant Classification Scheme 2023. Collection method: clinical testing. Allele origin: germline.

Labcorp Genetics (formerly Invitae), Labcorp
Classification: Uncertain significance. Last evaluated: 2023-03-18. Review status: criteria provided, single submitter. Criteria: Invitae Variant Classification Sherloc (09022015). Collection method: clinical testing. Allele origin: germline.
Comment: In summary, the available evidence is currently insufficient to determine the role of this variant in disease. Therefore, it has been classified as a Variant of Uncertain Significance. Advanced modeling of protein sequence and biophysical properties (such as structural, functional, and spatial information, amino acid conservation, physicochemical variation, residue mobility, and thermodynamic stability) performed at Invitae indicates that this missense variant is not expected to disrupt KRT14 protein function. ClinVar contains an entry for this variant (Variation ID: 2279838). This variant has not been reported in the literature in individuals affected with KRT14-related conditions. This variant is present in population databases (rs149391578, gnomAD 0.002%). This sequence change replaces serine, which is neutral and polar, with leucine, which is neutral and non-polar, at codon 435 of the KRT14 protein (p.Ser435Leu).

NM_000526.5(KRT14):c.1304C>T (p.Ser435Leu)

Gene: KRT14 (keratin 14; minus strand). Cytogenetic location: 17q21.2.
Variant type: single nucleotide variant.
Coding change: c.1304C>T on transcript NM_000526.5 (MANE Select); coding-DNA position 1304, C replaced by T.
Protein change: p.Ser435Leu; replaces serine 435 with leucine.
Molecular consequence: missense variant.
Genome position (GRCh38, 1-based): chr17:41,583,111, G>A on the plus strand (C>T on the coding strand, the complement: KRT14 is on the minus strand). VCF-style: chr17-41583111-G-A. GRCh37 (hg19) VCF-style: chr17-39739363-G-A.
Other names: short protein forms S435L.
Identifiers: ClinVar variation 2279838 (VCV002279838.6), dbSNP rs149391578, ClinGen allele CA8562416.